The following is an entry in ClinVar:

ClinVar aggregate classification (germline): Benign/Likely benign. Review status: criteria provided, multiple submitters, no conflicts (2 of 4 stars). 6 submissions from 6 submitters: Benign (1); Likely benign (5). Last evaluated 2026-01-12.

Conditions:
Bethlem myopathy 1A. Also called: Bethlem myopathy 1; MYOPATHY, BENIGN CONGENITAL, WITH CONTRACTURES; Bethlem Muscular Dystrophy. Identifiers: Orphanet 610, MedGen CN029274, MONDO:0024530, OMIM 158810.

Allele frequency attached by ClinVar (database versions not stated): gnomAD exomes 0.00069; ExAC 0.00087; gnomAD 0.00249 and 0.00260; ESP Exome Variant Server 0.00261; TOPMed 0.00289; 1000 Genomes Project 0.00399; 1000 Genomes Project 30x 0.00437.
gnomAD v4.1: 761 of 1,612,446 alleles (0.047%); highest among the groups gnomAD compares: African/African-American, 0.8%; 4 homozygotes.

Submissions (6):

Labcorp Genetics (formerly Invitae), Labcorp
Classification: Likely benign for Bethlem myopathy 1A. Last evaluated: 2026-01-12. Review status: criteria provided, single submitter. Criteria: Invitae Variant Classification Sherloc (09022015). Collection method: clinical testing. Allele origin: germline.

CeGaT Center for Human Genetics Tuebingen
Classification: Likely benign. Last evaluated: 2025-11-01. Review status: criteria provided, single submitter. Criteria: CeGaT Center For Human Genetics Tuebingen Variant Classification Criteria Version 2. Collection method: clinical testing. Allele origin: germline. Affected: yes. Observed: 1 variant allele.
Comment: COL6A3: BP4, BS2

Blueprint Genetics
Classification: Likely benign. Last evaluated: 2024-10-22. Review status: criteria provided, single submitter. Criteria: ACMG Guidelines, 2015. Collection method: clinical testing. Allele origin: germline.

GeneDx
Classification: Likely benign. Last evaluated: 2017-07-27. Review status: criteria provided, single submitter. Criteria: GeneDx Variant Classification (06012015). Collection method: clinical testing. Allele origin: germline. Affected: yes.
Comment: This variant is considered likely benign or benign based on one or more of the following criteria: it is a conservative change, it occurs at a poorly conserved position in the protein, it is predicted to be benign by multiple in silico algorithms, and/or has population frequency not consistent with disease.

Eurofins Ntd Llc (ga)
Classification: Benign. Last evaluated: 2015-10-22. Review status: criteria provided, single submitter. Criteria: EGL Classification Definitions 2015. Collection method: clinical testing. Allele origin: germline. Observed: 2 variant alleles, 2 heterozygotes.

Breakthrough Genomics
Classification: Likely benign. Review status: criteria provided, single submitter. Criteria: ACMG Guidelines, 2015. Collection method: not provided. Allele origin: germline. Inheritance: Autosomal recessive inheritance. Affected: yes.

NM_004369.4(COL6A3):c.8458G>A (p.Val2820Ile)

Gene: COL6A3 (collagen type VI alpha 3 chain; minus strand). Cytogenetic location: 2q37.3.
Variant type: single nucleotide variant.
Coding change: c.8458G>A on transcript NM_004369.4 (MANE Select); coding-DNA position 8458, G replaced by A.
Protein change: p.Val2820Ile; replaces valine 2820 with isoleucine.
Molecular consequence: missense variant.
Genome position (GRCh38, 1-based): chr2:237,340,458, C>T on the plus strand (G>A on the coding strand, the complement: COL6A3 is on the minus strand). VCF-style: chr2-237340458-C-T. GRCh37 (hg19) VCF-style: chr2-238249101-C-T.
Other names: c.6637G>A, p.Val2213Ile (NM_057166.5); c.7840G>A, p.Val2614Ile (NM_057167.4); short protein forms V2820I, V2213I, V2614I.
Identifiers: ClinVar variation 283682 (VCV000283682.26), dbSNP rs115171119, ClinGen allele CA2187545.